The following is an entry in ClinVar:

ClinVar aggregate classification (germline): Uncertain significance (1 of 4 stars; one submission).

Conditions:
Hereditary cancer-predisposing syndrome. Also called: Tumor predisposition; Hereditary Cancer Syndrome; Hereditary neoplastic syndrome; Neoplastic Syndromes, Hereditary. Identifiers: Orphanet 140162, MedGen C0027672, MeSH D009386, MONDO:0015356.

Submission:

Ambry Genetics
Classification: Uncertain significance for Hereditary cancer-predisposing syndrome. Last evaluated: 2024-04-07. Review status: criteria provided, single submitter. Criteria: Ambry Variant Classification Scheme 2023. Collection method: clinical testing. Allele origin: germline.
Comment: The p.S461G variant (also known as c.1381A>G), located in coding exon 9 of the FLCN gene, results from an A to G substitution at nucleotide position 1381. The serine at codon 461 is replaced by glycine, an amino acid with similar properties. This amino acid position is conserved. In addition, the in silico prediction for this alteration is inconclusive. Based on the available evidence, the clinical significance of this variant remains unclear.

NM_144997.7(FLCN):c.1381A>G (p.Ser461Gly)

Gene: FLCN (folliculin; minus strand). Cytogenetic location: 17p11.2.
Variant type: single nucleotide variant.
Coding change: c.1381A>G on transcript NM_144997.7 (MANE Select); coding-DNA position 1381, A replaced by G.
Protein change: p.Ser461Gly; replaces serine 461 with glycine.
Molecular consequence: missense variant.
Genome position (GRCh38, 1-based): chr17:17,215,236, T>C on the plus strand (A>G on the coding strand, the complement: FLCN is on the minus strand). VCF-style: chr17-17215236-T-C. GRCh37 (hg19) VCF-style: chr17-17118550-T-C.
Other names: c.1435A>G, p.Ser479Gly (NM_001353229.2); c.1381A>G, p.Ser461Gly (NM_001353230.2, NM_001353231.2); short protein forms S461G, S479G.
Identifiers: ClinVar variation 3279016 (VCV003279016.1).